The following is an entry in ClinVar:

NM_001164508.2(NEB):c.25150+1G>C

Genes: NEB (nebulin; minus strand), RIF1 (replication timing regulatory factor 1; plus strand). Cytogenetic location: 2q23.3.
Variant type: single nucleotide variant.
Coding change: c.25150+1G>C on transcript NM_001164508.2 (MANE Select); the canonical splice donor site of the intron after coding-DNA position 25150, G replaced by C.
Molecular consequence: splice donor variant.
Genome position (GRCh38, 1-based): chr2:151,491,682, C>G on the plus strand (G>C on the coding strand, the complement: NEB is on the minus strand). VCF-style: chr2-151491682-C-G. GRCh37 (hg19) VCF-style: chr2-152348196-C-G.
Other names: c.19582+1G>C (NM_004543.5); c.25150+1G>C (NM_001164507.2); c.25255+1G>C (NM_001271208.2).
Identifiers: ClinVar variation 1709374 (VCV001709374.3), dbSNP rs2551696151, ClinGen allele CA348771358.
Genomic context (GRCh38, chr2:151,491,682, plus strand): 5'-CATTGACTCTAGCATACTAAATGGTGATGTTTATGTTGTAAGCCTTTTTCAGCTAACACA[C>G]CATTAATCATGTGTAAGCTTCGGGACTGGATGTTGTCTTCTGCTGGATCATAGTCAAAAA-3'

ClinVar aggregate classification (germline): Conflicting classifications of pathogenicity. Review status: criteria provided, conflicting classifications (1 of 4 stars). 2 submissions from 2 submitters: Likely pathogenic (1); Uncertain significance (1). Last evaluated 2022-04-12.

Conditions:
Nemaline myopathy 2 (NEM2). Also called: Nemaline myopathy 2, autosomal recessive. Identifiers: MedGen C1850569, MONDO:0009725, OMIM 256030.

gnomAD v4.1: 2 of 1,581,624 alleles (0.00013%); highest among the groups gnomAD compares: Middle Eastern, 0.017%; no homozygotes.

Submissions (2):

MGZ Medical Genetics Center
Classification: Uncertain significance for Nemaline myopathy 2. Last evaluated: 2022-04-12. Review status: criteria provided, single submitter. Criteria: ACMG Guidelines, 2015. Collection method: clinical testing. Allele origin: germline. Affected: yes. Observed: 2 variant alleles.
Comment: ACMG criteria applied: PVS1_MOD, PM3, PM2_SUP

Clinical Genetics Service, Universitary Hospital 12 de Octubre
Classification: Likely pathogenic for Nemaline myopathy 2. Review status: criteria provided, single submitter. Criteria: ACMG Guidelines, 2015. Collection method: clinical testing. Allele origin: germline. Affected: yes.